The following is an entry in ClinVar:

ClinVar aggregate classification (germline): Likely benign. Review status: criteria provided, multiple submitters, no conflicts (2 of 4 stars). 3 submissions from 3 submitters: Likely benign (2). 1 of the submissions does not count toward it. Last evaluated 2025-11-10.

Conditions:
OPA1-related disorder. Also called: OPA1-related condition; OPA1-related disorders.

Allele frequency attached by ClinVar (database versions not stated): gnomAD exomes 0.00001 and 0.00007; ExAC 0.00009; TOPMed 0.00030; gnomAD 0.00031 and 0.00034; 1000 Genomes Project 0.00040; 1000 Genomes Project 30x 0.00047; ESP Exome Variant Server 0.00062.
gnomAD v4.1: 69 of 1,553,496 alleles (0.0044%); highest among the groups gnomAD compares: African/African-American, 0.084%; no homozygotes.

Submissions (3):

Labcorp Genetics (formerly Invitae), Labcorp
Classification: Likely benign. Last evaluated: 2025-11-10. Review status: criteria provided, single submitter. Criteria: Invitae Variant Classification Sherloc (09022015). Collection method: clinical testing. Allele origin: germline.

Blueprint Genetics
Classification: Likely benign. Last evaluated: 2022-12-31. Review status: criteria provided, single submitter. Criteria: ACMG Guidelines, 2015. Collection method: clinical testing. Allele origin: germline.

PreventionGenetics, part of Exact Sciences
Classification: Likely benign for OPA1-related condition. Last evaluated: 2019-06-05. Review status: no assertion criteria provided. Collection method: clinical testing. Allele origin: germline. Not counted in ClinVar's aggregate classification.
Comment: This variant is classified as likely benign based on ACMG/AMP sequence variant interpretation guidelines (Richards et al. 2015 PMID: 25741868, with internal and published modifications).

NM_130837.3(OPA1):c.1936-9A>G

Gene: OPA1 (OPA1 mitochondrial dynamin like GTPase; plus strand). Cytogenetic location: 3q29.
Variant type: single nucleotide variant.
Coding change: c.1936-9A>G on transcript NM_130837.3 (MANE Select); 9 bases into the intron before coding-DNA position 1936, A replaced by G.
Molecular consequence: intron variant.
Genome position (GRCh38, 1-based): chr3:193,648,786, A>G. VCF-style: chr3-193648786-A-G. GRCh37 (hg19) VCF-style: chr3-193366575-A-G.
Other names: c.1936-9A>G (NM_130837.2); c.1399-9A>G (NM_001354664.2); c.1402-9A>G (NM_001354663.2); c.1825-9A>G (NM_130834.3); c.1882-9A>G (NM_130836.3); c.1771-9A>G (NM_015560.3); c.1828-9A>G (NM_130835.3); c.1717-9A>G (NM_130832.3); and 2 more.
Identifiers: ClinVar variation 738568 (VCV000738568.11), dbSNP rs367798637, ClinGen allele CA2759543.